The following is an entry in ClinVar:

ClinVar aggregate classification (germline): Likely benign. Review status: criteria provided, multiple submitters, no conflicts (2 of 4 stars). 5 submissions from 5 submitters: Likely benign (4). 1 of the submissions does not count toward it. Last evaluated 2025-07-30.

Conditions:
MPDU1-related disorder. Also called: MPDU1-related condition.
MPDU1-congenital disorder of glycosylation. Also called: CDG If; MPDU1-CDG; CONGENITAL DISORDER OF GLYCOSYLATION, TYPE If. Identifiers: Orphanet 79323, MedGen C1836669, MONDO:0012211, OMIM 609180.

Allele frequency attached by ClinVar (database versions not stated): gnomAD 0.00002; TOPMed 0.00005; gnomAD exomes 0.00006 and 0.00007; ExAC 0.00008; ESP Exome Variant Server 0.00015.
gnomAD v4.1: 89 of 1,614,004 alleles (0.0055%); highest among the groups gnomAD compares: Non-Finnish European, 0.0073%; no homozygotes.

Submissions (5):

Labcorp Genetics (formerly Invitae), Labcorp
Classification: Likely benign for MPDU1-congenital disorder of glycosylation. Last evaluated: 2025-07-30. Review status: criteria provided, single submitter. Criteria: Invitae Variant Classification Sherloc (09022015). Collection method: clinical testing. Allele origin: germline.

Laboratory of Genetics, Children's Clinical University Hospital Latvia
Classification: Likely benign. Last evaluated: 2025-02-16. Review status: criteria provided, single submitter. Criteria: ACMG Guidelines, 2015. Collection method: clinical testing. Allele origin: germline. Affected: yes.

Blueprint Genetics
Classification: Likely benign. Last evaluated: 2024-10-08. Review status: criteria provided, single submitter. Criteria: ACMG Guidelines, 2015. Collection method: clinical testing. Allele origin: germline.

GeneDx
Classification: Likely benign. Last evaluated: 2016-06-10. Review status: criteria provided, single submitter. Criteria: GeneDx Variant Classification (06012015). Collection method: clinical testing. Allele origin: germline. Affected: yes.
Comment: This variant is considered likely benign or benign based on one or more of the following criteria: it is a conservative change, it occurs at a poorly conserved position in the protein, it is predicted to be benign by multiple in silico algorithms, and/or has population frequency not consistent with disease.

PreventionGenetics, part of Exact Sciences
Classification: Likely benign for MPDU1-related condition. Last evaluated: 2022-07-28. Review status: no assertion criteria provided. Collection method: clinical testing. Allele origin: germline. Not counted in ClinVar's aggregate classification.
Comment: This variant is classified as likely benign based on ACMG/AMP sequence variant interpretation guidelines (Richards et al. 2015 PMID: 25741868, with internal and published modifications).

NM_004870.4(MPDU1):c.114C>G (p.Leu38=)

Gene: MPDU1 (mannose-P-dolichol utilization defect 1; plus strand). Cytogenetic location: 17p13.1.
Variant type: single nucleotide variant.
Coding change: c.114C>G on transcript NM_004870.4 (MANE Select); coding-DNA position 114, C replaced by G.
Protein change: p.Leu38=; no amino-acid change (leucine 38 retained).
Molecular consequence: synonymous variant. On other transcripts: non-coding transcript variant (1).
Genome position (GRCh38, 1-based): chr17:7,585,742, C>G. VCF-style: chr17-7585742-C-G. GRCh37 (hg19) VCF-style: chr17-7489060-C-G.
Other names: c.114C>G, p.Leu38= (NM_001330073.1).
Identifiers: ClinVar variation 386602 (VCV000386602.7), dbSNP rs201061945, ClinGen allele CA8352842.